The following is an entry in ClinVar:

ClinVar aggregate classification (germline): Likely benign (0 of 4 stars; one submission).

Conditions:
SEMA3A-related disorder. Also called: SEMA3A-related condition.

gnomAD v4.1: 41 of 1,603,434 alleles (0.0026%); highest among the groups gnomAD compares: Non-Finnish European, 0.0031%; no homozygotes.

Submission:

PreventionGenetics, part of Exact Sciences
Classification: Likely benign for SEMA3A-related condition. Last evaluated: 2022-07-06. Review status: no assertion criteria provided. Collection method: clinical testing. Allele origin: germline.
Comment: This variant is classified as likely benign based on ACMG/AMP sequence variant interpretation guidelines (Richards et al. 2015 PMID: 25741868, with internal and published modifications).

NM_006080.3(SEMA3A):c.1128A>G (p.Pro376=)

Gene: SEMA3A (semaphorin 3A; minus strand). Cytogenetic location: 7q21.11.
Variant type: single nucleotide variant.
Coding change: c.1128A>G on transcript NM_006080.3 (MANE Select); coding-DNA position 1128, A replaced by G.
Protein change: p.Pro376=; no amino-acid change (proline 376 retained).
Molecular consequence: synonymous variant.
Genome position (GRCh38, 1-based): chr7:84,007,365, T>C on the plus strand (A>G on the coding strand, the complement: SEMA3A is on the minus strand). VCF-style: chr7-84007365-T-C. GRCh37 (hg19) VCF-style: chr7-83636681-T-C.
Identifiers: ClinVar variation 3358495 (VCV003358495.1).